The following is an entry in ClinVar:

ClinVar aggregate classification (germline): Likely benign (1 of 4 stars; one submission).

Submission:

CeGaT Center for Human Genetics Tuebingen
Classification: Likely benign. Last evaluated: 2024-12-01. Review status: criteria provided, single submitter. Criteria: CeGaT Center For Human Genetics Tuebingen Variant Classification Criteria Version 2. Collection method: clinical testing. Allele origin: germline. Affected: yes. Observed: 1 variant allele.
Comment: F8: BP4, BP7

NM_000132.4(F8):c.6429+13908C>T

Genes: F8 (coagulation factor VIII; minus strand), LOC106146150 (int22h-1 recombination region; plus strand). Cytogenetic location: Xq28.
Variant type: single nucleotide variant.
Coding change: c.6429+13908C>T on transcript NM_000132.4 (MANE Select); 13908 bases into the intron after coding-DNA position 6429, C replaced by T.
Molecular consequence: intron variant.
Genome position (GRCh38, 1-based): chrX:154,882,169, G>A on the plus strand (C>T on the coding strand, the complement: F8 is on the minus strand). VCF-style: chrX-154882169-G-A. GRCh37 (hg19) VCF-style: chrX-154110444-G-A.
Other names: c.24+3965C>T (NM_019863.3).
Identifiers: ClinVar variation 3771435 (VCV003771435.13).